The following is an entry in ClinVar:

NC_000009.11:g.(?_21971043)_(21981192_?)del

Gene: CDKN2A (cyclin dependent kinase inhibitor 2A; minus strand). Cytogenetic location: 9p21.3.
Variant type: Deletion.
Identifiers: ClinVar variation 3245178 (VCV003245178.1).

ClinVar aggregate classification (germline): Pathogenic (1 of 4 stars; one submission).

Conditions:
Familial melanoma. Also called: Hereditary melanoma; Hereditary cutaneous melanoma. Identifiers: Orphanet 618, MedGen C1512419, MONDO:0018961.

Submission:

Labcorp Genetics (formerly Invitae), Labcorp
Classification: Pathogenic for Familial melanoma. Last evaluated: 2022-01-27. Review status: criteria provided, single submitter. Criteria: Invitae Variant Classification Sherloc (09022015). Collection method: clinical testing. Allele origin: unknown.
Comment: For these reasons, this variant has been classified as Pathogenic. While the evidence indicates that this variant confers risk of developing CDKN2A (p16INK4a)-associated conditions, its association with risk for developing CDKN2A (p14ARF)-associated conditions is still unclear. This variant is also known as c.194-9983_360del (partial deletion of exon 2) in CDKN2A (p14ARF) transcript. A similar copy number variant has been observed in individual(s) with melanoma (PMID: 17001621, 18023021). It has also been observed to segregate with disease in related individuals. This variant results in the deletion of exon 1 and part of exon 2 (c.-6364_317del) of the CDKN2A (p16INK4a) gene. It is expected to result in an absent or disrupted protein product. Loss-of-function variants in CDKN2A (p16INK4a) are known to be pathogenic (PMID: 15146471, 16905682). The CDKN2A gene encodes two different proteins, p16INK4a and p14ARF, which are translated from alternative transcripts with different open reading frames. Both transcripts have been analyzed, we report either the variant with the higher classification or default to the CDKN2A (p16INK4a) variant. This report therefore includes the details for the CDKN2A (p16INK4a) variant.

Literature cited by the submitters: PubMed 17001621; PubMed 18023021; PubMed 15146471; PubMed 16905682.